The following is an entry in ClinVar:

NM_032638.5(GATA2):c.302G>A (p.Gly101Asp)

Gene: GATA2 (GATA binding protein 2; minus strand). Cytogenetic location: 3q21.3.
Variant type: single nucleotide variant.
Coding change: c.302G>A on transcript NM_032638.5 (MANE Select); coding-DNA position 302, G replaced by A.
Protein change: p.Gly101Asp; replaces glycine 101 with aspartic acid.
Molecular consequence: missense variant.
Genome position (GRCh38, 1-based): chr3:128,486,296, C>T on the plus strand (G>A on the coding strand, the complement: GATA2 is on the minus strand). VCF-style: chr3-128486296-C-T. GRCh37 (hg19) VCF-style: chr3-128205139-C-T.
Other names: c.302G>A, p.Gly101Asp (NM_001145661.2, NM_001145662.1); short protein forms G101D.
Identifiers: ClinVar variation 539718 (VCV000539718.8), dbSNP rs1553771053, ClinGen allele CA354407475.

ClinVar aggregate classification (germline): Uncertain significance (1 of 4 stars; one submission).

Conditions:
Deafness-lymphedema-leukemia syndrome. Also called: Emberger syndrome; Lymphedema, primary, with myelodysplasia. Identifiers: Orphanet 3226, MedGen C3279664, MONDO:0013540, OMIM 614038.
Monocytopenia with susceptibility to infections. Also called: Dendritic cell, monocyte, B lymphocyte, and natural killer lymphocyte deficiency; MONOCYTOPENIA AND MYCOBACTERIAL INFECTION SYNDROME; MONOCYTOPENIA WITH SUSCEPTIBILITY TO MYCOBACTERIAL, FUNGAL, AND PAPILLOMAVIRUS INFECTIONS AND MYELODYSPLASIA; COMBINED IMMUNODEFICIENCY WITH SUSCEPTIBILITY TO MYCOBACTERIAL, VIRAL, AND FUNGAL INFECTIONS; IMMUNODEFICIENCY 21; GATA2 DEFICIENCY. Identifiers: Orphanet 228423, MedGen C3280030, MONDO:0013607, OMIM 614172.

Allele frequency attached by ClinVar (database versions not stated): gnomAD exomes below 0.00001.
gnomAD v4.1: 1 of 1,588,358 alleles (0.000063%); highest among the groups gnomAD compares: East Asian, 0.0023%; no homozygotes.

Submission:

Labcorp Genetics (formerly Invitae), Labcorp
Classification: Uncertain significance for Monocytopenia with susceptibility to infections; Deafness-lymphedema-leukemia syndrome. Last evaluated: 2017-12-20. Review status: criteria provided, single submitter. Criteria: Invitae Variant Classification Sherloc (09022015). Collection method: clinical testing. Allele origin: germline.
Comment: In summary, the available evidence is currently insufficient to determine the role of this variant in disease. Therefore, it has been classified as a Variant of Uncertain Significance. Algorithms developed to predict the effect of missense changes on protein structure and function (SIFT, PolyPhen-2, Align-GVGD) all suggest that this variant is likely to be tolerated, but these predictions have not been confirmed by published functional studies and their clinical significance is uncertain. This variant has not been reported in the literature in individuals with GATA2-related disease. This variant is not present in population databases (ExAC no frequency). This sequence change replaces glycine with aspartic acid at codon 101 of the GATA2 protein (p.Gly101Asp). The glycine residue is moderately conserved and there is a moderate physicochemical difference between glycine and aspartic acid.